The following is an entry in ClinVar:

NM_001875.5(CPS1):c.4002+2T>C

Gene: CPS1 (carbamoyl-phosphate synthase 1; plus strand). Cytogenetic location: 2q34.
Variant type: single nucleotide variant.
Coding change: c.4002+2T>C on transcript NM_001875.5 (MANE Select); the canonical splice donor site of the intron after coding-DNA position 4002, T replaced by C.
Molecular consequence: splice donor variant.
Genome position (GRCh38, 1-based): chr2:210,663,199, T>C. VCF-style: chr2-210663199-T-C. GRCh37 (hg19) VCF-style: chr2-211527923-T-C.
Other names: c.4002+2T>C (NM_001369257.1, NM_001122633.3); c.4035+2T>C (NM_001369256.1).
Identifiers: ClinVar variation 5004537 (VCV005004537.1).

ClinVar aggregate classification (germline): Uncertain significance (1 of 4 stars; one submission).

Conditions:
Congenital hyperammonemia, type I. Also called: Carbamoyl phosphate synthetase I deficiency disease; CPS I DEFICIENCY; Carbamoyl-phosphate synthase I deficiency; Carbamoyl phosphate synthetase 1 deficiency; Hyperammonemia due to carbamoyl phosphate synthetase 1 deficiency; CPS 1 deficiency. Identifiers: Orphanet 147, MedGen C4082171, MONDO:0009376, OMIM 237300.

Submission:

Myriad Genetics, Inc.
Classification: Uncertain significance for Congenital hyperammonemia, type I. Last evaluated: 2026-03-18. Review status: criteria provided, single submitter. Criteria: Myriad Autosomal Dominant, Autosomal Recessive and X-Linked Classification Criteria (2023). Collection method: clinical testing. Allele origin: unknown.
Comment: NM_001875.4(CPS1):c.4002+2T>C is a variant in a canonical splice site classified as a variant of uncertain significance in the context of carbamoylphosphate synthetase I deficiency. c.4002+2T>C has not been observed in cases with relevant disease. Relevant functional assessments of this variant are not available in the literature. c.4002+2T>C has not been observed in referenced population frequency databases. In summary, there is insufficient evidence to classify NM_001875.4(CPS1):c.4002+2T>C as pathogenic or benign. Please note: this variant was assessed in the context of healthy population screening.